The following is an entry in ClinVar:

NM_001142459.2(ASB10):c.731G>A (p.Arg244His)

Gene: ASB10 (ankyrin repeat and SOCS box containing 10; minus strand). Cytogenetic location: 7q36.1.
Variant type: single nucleotide variant.
Coding change: c.731G>A on transcript NM_001142459.2 (MANE Select); coding-DNA position 731, G replaced by A.
Protein change: p.Arg244His; replaces arginine 244 with histidine.
Molecular consequence: missense variant.
Genome position (GRCh38, 1-based): chr7:151,181,312, C>T on the plus strand (G>A on the coding strand, the complement: ASB10 is on the minus strand). VCF-style: chr7-151181312-C-T. GRCh37 (hg19) VCF-style: chr7-150878399-C-T.
Other names: c.731G>A, p.Arg244His (NM_001142460.1); c.686G>A, p.Arg229His (NM_080871.4); short protein forms R229H, R244H.
Identifiers: ClinVar variation 99963 (VCV000099963.7), dbSNP rs104886476, ClinGen allele CA150504.

ClinVar aggregate classification (germline): Benign. Review status: criteria provided, single submitter (1 of 4 stars). 3 submissions from 3 submitters: Benign (1). 2 of the submissions do not count toward it. Last evaluated 2022-08-09.

Conditions:
Glaucoma 1, open angle, F (GLC1F). Identifiers: MedGen C1863926, OMIM 603383, MONDO:0011311.

Allele frequency attached by ClinVar (database versions not stated): 1000 Genomes Project 0.00080; TOPMed 0.00050; 1000 Genomes Project 30x 0.00062.

Submissions (3):

Labcorp Genetics (formerly Invitae), Labcorp
Classification: Benign. Last evaluated: 2022-08-09. Review status: criteria provided, single submitter. Criteria: Invitae Variant Classification Sherloc (09022015). Collection method: clinical testing. Allele origin: germline.

Casey Eye Institute Glaucoma Genetics Lab 
No classification provided. Condition: Glaucoma 1, open angle, F. Review status: no classification provided. Collection method: not provided. Allele origin: somatic. Not counted in ClinVar's aggregate classification.

Department of Pathology and Laboratory Medicine, Sinai Health System
Classification: Uncertain significance. Review status: no assertion criteria provided. Collection method: clinical testing. Allele origin: unknown. Affected: yes. Study: The Canadian Open Genetics Repository (COGR). Not counted in ClinVar's aggregate classification.
Comment: The ASB10 p.R244H variant was not identified in the literature but was identified in dbSNP (ID: rs104886476) and in ClinVar (classification not provided by Casey Eye Institute Glaucoma Genetics Lab). The variant was identified in control databases in 117 of 280842 chromosomes (1 homozygous) at a frequency of 0.0004166, and was observed at the highest frequency in the East Asian population in 98 of 19898 chromosomes (1 homozygous) (freq: 0.004925) (Genome Aggregation Database March 6, 2019, v2.1.1). The p.R244 residue is not conserved in mammals and computational analyses (MUT Assesor, PolyPhen-2, SIFT, MutationTaster, Revel, FATHMM, MetaLR, DANN) provide inconsistent predictions regarding the impact to the protein; this information is not very predictive of pathogenicity. The variant occurs outside of the splicing consensus sequence and in silico or computational prediction software programs (Splice AI exome) do not predict a difference in splicing. In summary, based on the above information the clinical significance of this variant cannot be determined with certainty at this time. This variant is classified as a variant of uncertain significance.